The following is an entry in ClinVar:

ClinVar aggregate classification (germline): Benign/Likely benign. Review status: criteria provided, multiple submitters, no conflicts (2 of 4 stars). 3 submissions from 3 submitters: Benign (1); Likely benign (2). Last evaluated 2026-01-22.

Conditions:
LAMA2-related muscular dystrophy (LAMA2-RD). Also called: Laminin alpha 2-related dystrophy. Identifiers: MedGen C5679788, MONDO:0100228.

Allele frequency attached by ClinVar (database versions not stated): gnomAD exomes 0.00008 and 0.00021; ExAC 0.00022; 1000 Genomes Project 30x 0.00047; 1000 Genomes Project 0.00060; gnomAD 0.00100 and 0.00111; TOPMed 0.00114; ESP Exome Variant Server 0.00154.
gnomAD v4.1: 271 of 1,612,536 alleles (0.017%); highest among the groups gnomAD compares: African/African-American, 0.32%; no homozygotes.

Submissions (3):

Labcorp Genetics (formerly Invitae), Labcorp
Classification: Benign for LAMA2-related muscular dystrophy. Last evaluated: 2026-01-22. Review status: criteria provided, single submitter. Criteria: Invitae Variant Classification Sherloc (09022015). Collection method: clinical testing. Allele origin: germline.

Blueprint Genetics
Classification: Likely benign. Last evaluated: 2024-11-21. Review status: criteria provided, single submitter. Criteria: ACMG Guidelines, 2015. Collection method: clinical testing. Allele origin: germline.

GeneDx
Classification: Likely benign. Last evaluated: 2018-04-26. Review status: criteria provided, single submitter. Criteria: GeneDx Variant Classification (06012015). Collection method: clinical testing. Allele origin: germline. Affected: yes.
Comment: This variant is considered likely benign or benign based on one or more of the following criteria: it is a conservative change, it occurs at a poorly conserved position in the protein, it is predicted to be benign by multiple in silico algorithms, and/or has population frequency not consistent with disease.

NM_000426.4(LAMA2):c.6086-16C>T

Genes: LAMA2 (laminin subunit alpha 2; plus strand), LOC123864065 (Sharpr-MPRA regulatory region 661; plus strand). Cytogenetic location: 6q22.33.
Variant type: single nucleotide variant.
Coding change: c.6086-16C>T on transcript NM_000426.4 (MANE Select); 16 bases into the intron before coding-DNA position 6086, C replaced by T.
Molecular consequence: intron variant.
Genome position (GRCh38, 1-based): chr6:129,440,800, C>T. VCF-style: chr6-129440800-C-T. GRCh37 (hg19) VCF-style: chr6-129761945-C-T.
Other names: c.6086-16C>T (NM_001079823.2).
Identifiers: ClinVar variation 682325 (VCV000682325.13), dbSNP rs199878847, ClinGen allele CA3994105.